The following is an entry in ClinVar:

NM_181523.3(PIK3R1):c.195A>G (p.Glu65=)

Gene: PIK3R1 (phosphoinositide-3-kinase regulatory subunit 1; plus strand). Cytogenetic location: 5q13.1.
Variant type: single nucleotide variant.
Coding change: c.195A>G on transcript NM_181523.3 (MANE Select); coding-DNA position 195, A replaced by G.
Protein change: p.Glu65=; no amino-acid change (glutamic acid 65 retained).
Molecular consequence: synonymous variant.
Genome position (GRCh38, 1-based): chr5:68,226,870, A>G. VCF-style: chr5-68226870-A-G. GRCh37 (hg19) VCF-style: chr5-67522698-A-G.
Identifiers: ClinVar variation 463163 (VCV000463163.32), dbSNP rs73768883, ClinGen allele CA3289940.

ClinVar aggregate classification (germline): Benign/Likely benign. Review status: criteria provided, multiple submitters, no conflicts (2 of 4 stars). 7 submissions from 7 submitters: Benign (3); Likely benign (3). 1 of the submissions does not count toward it. Last evaluated 2026-01-27.

Conditions:
PIK3R1-related disorder. Also called: PIK3R1-related condition.
Immunodeficiency 36 with lymphoproliferation. Also called: Immunodeficiency 36; Activated PI3K Delta Syndrome Type 2 (APDS2); ACTIVATED PI3K-DELTA SYNDROME 2. Identifiers: Orphanet 397596, Orphanet 693681, MedGen C4014934, MONDO:0014453, OMIM 616005.
SHORT syndrome. Also called: PIK3R1-Related SHORT Syndrome; SHORT STATURE, HYPEREXTENSIBILITY, HERNIA, OCULAR DEPRESSION, RIEGER ANOMALY, AND TEETHING DELAY; LIPODYSTROPHY, PARTIAL, WITH RIEGER ANOMALY AND SHORT STATURE. Identifiers: Orphanet 3163, MedGen C0878684, MONDO:0010026, OMIM 269880.
Agammaglobulinemia 7, autosomal recessive (AGM7). Also called: AGAMMAGLOBULINEMIA, AUTOSOMAL RECESSIVE, DUE TO PIK3R1 DEFECT. Identifiers: MedGen C3554689, MONDO:0014083, OMIM 615214.

Allele frequency attached by ClinVar (database versions not stated): gnomAD exomes 0.00057 and 0.00129; ExAC 0.00157; gnomAD 0.00537 and 0.00567; 1000 Genomes Project 0.00539; 1000 Genomes Project 30x 0.00547; TOPMed 0.00624; ESP Exome Variant Server 0.00730.
gnomAD v4.1: 1,701 of 1,614,138 alleles (0.11%); highest among the groups gnomAD compares: African/African-American, 1.7%; 10 homozygotes.

Submissions (7):

Labcorp Genetics (formerly Invitae), Labcorp
Classification: Benign for SHORT syndrome; Immunodeficiency 36 with lymphoproliferation; Agammaglobulinemia 7, autosomal recessive. Last evaluated: 2026-01-27. Review status: criteria provided, single submitter. Criteria: Invitae Variant Classification Sherloc (09022015). Collection method: clinical testing. Allele origin: germline.

Women's Health and Genetics/Laboratory Corporation of America, LabCorp
Classification: Benign. Last evaluated: 2026-01-23. Review status: criteria provided, single submitter. Criteria: LabCorp Variant Classification Summary - May 2015. Collection method: clinical testing. Allele origin: germline.

ARUP Laboratories, Molecular Genetics and Genomics, ARUP Laboratories
Classification: Benign. Last evaluated: 2025-03-13. Review status: criteria provided, single submitter. Criteria: ARUP Molecular Germline Variant Investigation Process 2024. Collection method: clinical testing. Allele origin: germline.

Blueprint Genetics
Classification: Likely benign. Last evaluated: 2024-11-15. Review status: criteria provided, single submitter. Criteria: ACMG Guidelines, 2015. Collection method: clinical testing. Allele origin: germline.

GeneDx
Classification: Likely benign. Last evaluated: 2019-03-21. Review status: criteria provided, single submitter. Criteria: GeneDx Variant Classification Process June 2021. Collection method: clinical testing. Allele origin: germline. Affected: yes.

Breakthrough Genomics
Classification: Likely benign. Review status: criteria provided, single submitter. Criteria: ACMG Guidelines, 2015. Collection method: not provided. Allele origin: germline. Inheritance: Autosomal recessive inheritance. Affected: yes.

PreventionGenetics, part of Exact Sciences
Classification: Benign for PIK3R1-related condition. Last evaluated: 2019-07-11. Review status: no assertion criteria provided. Collection method: clinical testing. Allele origin: germline. Not counted in ClinVar's aggregate classification.
Comment: This variant is classified as benign based on ACMG/AMP sequence variant interpretation guidelines (Richards et al. 2015 PMID: 25741868, with internal and published modifications).